The following is an entry in ClinVar:

NM_001164508.2(NEB):c.24114G>T (p.Ser8038=)

Genes: NEB (nebulin; minus strand), RIF1 (replication timing regulatory factor 1; plus strand). Cytogenetic location: 2q23.3.
Variant type: single nucleotide variant.
Coding change: c.24114G>T on transcript NM_001164508.2 (MANE Select); coding-DNA position 24114, G replaced by T.
Protein change: p.Ser8038=; no amino-acid change (serine 8038 retained).
Molecular consequence: synonymous variant. On other transcripts: intron variant (1).
Genome position (GRCh38, 1-based): chr2:151,499,298, C>A on the plus strand (G>T on the coding strand, the complement: NEB is on the minus strand). VCF-style: chr2-151499298-C-A. GRCh37 (hg19) VCF-style: chr2-152355812-C-A.
Other names: c.24114G>T, p.Ser8038= (NM_001164507.2); c.24219G>T, p.Ser8073= (NM_001271208.2); c.18826-2930G>T (NM_004543.5).
Identifiers: ClinVar variation 853763 (VCV000853763.12), dbSNP rs781581005, ClinGen allele CA1906152.
Genomic context (GRCh38, chr2:151,499,298, plus strand): 5'-GCCATTAATCTTTTTAAACATTTTTTTAAATAATTAAAGGGATTTTTTATTTTTAAATAC[C>A]GAACTAAAGTTTTCTTGATTGTGTTTGACTCTCTCCATCTCTGGAGTGATGGGGATTGGA-3'
Protein context (NP_001157980.2, residues 8028-8048): RVKHNQENFS[Ser8038=]VLYKENLGTG

ClinVar aggregate classification (germline): Uncertain significance. Review status: criteria provided, multiple submitters, no conflicts (2 of 4 stars). 4 submissions from 4 submitters: Uncertain significance (2). 2 of the submissions do not count toward it. Last evaluated 2024-04-05.

Conditions:
Nemaline myopathy 2 (NEM2). Also called: Nemaline myopathy 2, autosomal recessive. Identifiers: MedGen C1850569, MONDO:0009725, OMIM 256030.
NEB-related disorder. Also called: NEB-related condition; NEB-Related Disorders.

Allele frequency attached by ClinVar (database versions not stated): TOPMed 0.00003; ExAC 0.00005.
gnomAD v4.1: 5 of 1,448,384 alleles (0.00035%); highest among the groups gnomAD compares: African/African-American, 0.0043%; no homozygotes.

Submissions (4):

Labcorp Genetics (formerly Invitae), Labcorp
Classification: Uncertain significance for Nemaline myopathy 2. Last evaluated: 2024-04-05. Review status: criteria provided, single submitter. Criteria: Invitae Variant Classification Sherloc (09022015). Collection method: clinical testing. Allele origin: germline.
Comment: This sequence change affects codon 8073 of the NEB mRNA. It is a 'silent' change, meaning that it does not change the encoded amino acid sequence of the NEB protein. It affects a nucleotide within the consensus splice site. This variant is present in population databases (rs781581005, gnomAD 0.02%). This variant has not been reported in the literature in individuals affected with NEB-related conditions. ClinVar contains an entry for this variant (Variation ID: 853763). Algorithms developed to predict the effect of sequence changes on RNA splicing suggest that this variant may disrupt the consensus splice site. In summary, the available evidence is currently insufficient to determine the role of this variant in disease. Therefore, it has been classified as a Variant of Uncertain Significance.

Revvity Omics, Revvity
Classification: Uncertain significance. Last evaluated: 2023-05-17. Review status: criteria provided, single submitter. Criteria: ACMG Guidelines, 2015. Collection method: clinical testing. Allele origin: germline.

PreventionGenetics, part of Exact Sciences
Classification: Uncertain significance for NEB-related condition. Last evaluated: 2024-03-27. Review status: no assertion criteria provided. Collection method: clinical testing. Allele origin: germline. Not counted in ClinVar's aggregate classification.
Comment: The NEB c.24219G>T variant is not predicted to result in an amino acid change (p.=). This variant is predicted to weaken the canonical splice donor site (SpliceAI, Jaganathan et al. 2019. PubMed ID: 30661751). To our knowledge, this variant has not been reported in the literature. This variant is reported in 0.015% of alleles in individuals of African descent in gnomAD. At this time, the clinical significance of this variant is uncertain due to the absence of conclusive functional and genetic evidence.

Natera, Inc.
Classification: Uncertain significance for Nemaline myopathy type 2. Last evaluated: 2021-07-06. Review status: no assertion criteria provided. Collection method: clinical testing. Allele origin: germline. Not counted in ClinVar's aggregate classification.